The following is an entry in ClinVar:

ClinVar aggregate classification (germline): Uncertain significance (1 of 4 stars; one submission).

Conditions:
Hereditary cancer-predisposing syndrome. Also called: Neoplastic Syndromes, Hereditary; Tumor predisposition; Hereditary Cancer Syndrome; Hereditary neoplastic syndrome. Identifiers: Orphanet 140162, MedGen C0027672, MeSH D009386, MONDO:0015356.

Submission:

Color Diagnostics, LLC DBA Color Health
Classification: Uncertain significance for Hereditary cancer-predisposing syndrome. Last evaluated: 2023-12-05. Review status: criteria provided, single submitter. Criteria: ACMG Guidelines, 2015. Collection method: clinical testing. Allele origin: germline.
Comment: This missense variant replaces alanine with glycine at codon 1347 of the MSH6 protein. Computational prediction suggests that this variant may not impact protein structure and function (internally defined REVEL score threshold <= 0.5, PMID: 27666373). To our knowledge, functional studies have not been reported for this variant. This variant has not been reported in individuals affected with MSH6-related disorders in the literature. This variant has not been identified in the general population by the Genome Aggregation Database (gnomAD). The available evidence is insufficient to determine the role of this variant in disease conclusively. Therefore, this variant is classified as a Variant of Uncertain Significance.

NM_000179.3(MSH6):c.4040C>G (p.Ala1347Gly)

Gene: MSH6 (mutS homolog 6; plus strand). Cytogenetic location: 2p16.3.
Variant type: single nucleotide variant.
Coding change: c.4040C>G on transcript NM_000179.3 (MANE Select); coding-DNA position 4040, C replaced by G.
Protein change: p.Ala1347Gly; replaces alanine 1347 with glycine.
Molecular consequence: missense variant.
Genome position (GRCh38, 1-based): chr2:47,806,817, C>G. VCF-style: chr2-47806817-C-G. GRCh37 (hg19) VCF-style: chr2-48033956-C-G.
Other names: c.3650C>G, p.Ala1217Gly (NM_001281492.2); c.3134C>G, p.Ala1045Gly (NM_001281493.2, NM_001281494.2); short protein forms A1045G, A1217G, A1347G.
Identifiers: ClinVar variation 924151 (VCV000924151.4), dbSNP rs1670216397, ClinGen allele CA346761695.
Genomic context (GRCh38, chr2:47,806,817, plus strand): 5'-TTTTTTTTTTTTTAATTTTAAGGGAAGTTTGCCTGGCTAGTGAAAGGTCAACTGTAGATG[C>G]TGAAGCTGTCCATAAATTGCTGACTTTGATTAAGGAATTATAGACTGACTACATTGGAAG-3'
Protein context (NP_000170.1, residues 1337-1357): CLASERSTVD[Ala1347Gly]EAVHKLLTLI